The following is an entry in ClinVar:

ClinVar aggregate classification (germline): Uncertain significance. Review status: criteria provided, multiple submitters, no conflicts (2 of 4 stars). 2 submissions from 2 submitters: Uncertain significance (2). Last evaluated 2026-06-17.

Conditions:
Mitochondrial complex I deficiency, nuclear type 4. Also called: Mitochondrial complex 1 deficiency, nuclear type 4. Identifiers: MedGen C4748753, MONDO:0032609, OMIM 618225.
Inborn genetic diseases. Identifiers: MedGen C0950123, MeSH D030342.

Allele frequency attached by ClinVar (database versions not stated): TOPMed below 0.00001; gnomAD 0.00001; ExAC 0.00002; gnomAD exomes 0.00002; ESP Exome Variant Server 0.00008.
gnomAD v4.1: 10 of 1,614,118 alleles (0.00062%); highest among the groups gnomAD compares: South Asian, 0.0022%; no homozygotes.

Submissions (2):

Ambry Genetics
Classification: Uncertain significance for Inborn genetic diseases. Last evaluated: 2026-06-17. Review status: criteria provided, single submitter. Criteria: Ambry Variant Classification Scheme 2023. Collection method: clinical testing. Allele origin: germline.
Comment: The c.770G>A (p.R257H) alteration is located in exon 6 (coding exon 6) of the NDUFV1 gene. This alteration results from a G to A substitution at nucleotide position 770, causing the arginine (R) at amino acid position 257 to be replaced by a histidine (H). Based on data from gnomAD, the A allele has an overall frequency of 0.002% (5/251488) total alleles studied. The highest observed frequency was 0.003% (1/30616) of South Asian alleles. This amino acid position is highly conserved in available vertebrate species. This alteration is predicted to be deleterious by in silico analysis. Based on insufficient or conflicting evidence, the clinical significance of this alteration remains unclear.

Foundation for Research in Genetics and Endocrinology, FRIGE's Institute of Human Genetics
Classification: Uncertain significance for Mitochondrial complex I deficiency, nuclear type 4. Last evaluated: 2026-05-07. Review status: criteria provided, single submitter. Criteria: ACMG Guidelines, 2015. Collection method: clinical testing. Allele origin: germline. Inheritance: Autosomal recessive inheritance. Affected: yes. Observed: 1 variant allele, 1 homozygote.
Comment: A homozygous variant c.770G>A in exon 6 of the NDUFV1 gene was detected. This variant results in the substitution of arginine by histidine at codon 257. This variant has not been reported in the 1000 genomes database and has a minor allele frequency of 0.002% in the gnomAD database. The in-silico prediction of the variant is deleterious by MutationTaster, SIFT, PolyPhen-2 and DANN. In summary, the variant meets our criteria to be classified as variant of uncertain significance.

NM_007103.4(NDUFV1):c.770G>A (p.Arg257His)

Gene: NDUFV1 (NADH:ubiquinone oxidoreductase core subunit V1; plus strand). Cytogenetic location: 11q13.2.
Variant type: single nucleotide variant.
Coding change: c.770G>A on transcript NM_007103.4 (MANE Select); coding-DNA position 770, G replaced by A.
Protein change: p.Arg257His; replaces arginine 257 with histidine.
Molecular consequence: missense variant.
Genome position (GRCh38, 1-based): chr11:67,611,064, G>A. VCF-style: chr11-67611064-G-A. GRCh37 (hg19) VCF-style: chr11-67378535-G-A.
Other names: p.Arg257His; c.743G>A, p.Arg248His (NM_001166102.2); short protein forms R257H, R248H.
Identifiers: ClinVar variation 521517 (VCV000521517.6), dbSNP rs371938193, ClinGen allele CA6143284.
Genomic context (GRCh38, chr11:67,611,064, plus strand): 5'-GCTGCCCCACAACTGTGGCCAACGTGGAGACAGTGGCAGTGTCCCCCACAATCTGCCGCC[G>A]TGGAGGTACCTGGTTTGCTGGCTTTGGCAGAGAACGCAACTCAGGCACCAAACTATTCAA-3'
Protein context (NP_009034.2, residues 247-267): TVAVSPTICR[Arg257His]GGTWFAGFGR